The following is an entry in ClinVar:

NM_002381.5(MATN3):c.663C>T (p.Gly221=)

Gene: MATN3 (matrilin 3; minus strand). Cytogenetic location: 2p24.1.
Variant type: single nucleotide variant.
Coding change: c.663C>T on transcript NM_002381.5 (MANE Select); coding-DNA position 663, C replaced by T.
Protein change: p.Gly221=; no amino-acid change (glycine 221 retained).
Molecular consequence: synonymous variant.
Genome position (GRCh38, 1-based): chr2:20,005,871, G>A on the plus strand (C>T on the coding strand, the complement: MATN3 is on the minus strand). VCF-style: chr2-20005871-G-A. GRCh37 (hg19) VCF-style: chr2-20205632-G-A.
Identifiers: ClinVar variation 1646072 (VCV001646072.33), dbSNP rs369658011, ClinGen allele CA1543929.

ClinVar aggregate classification (germline): Benign/Likely benign. Review status: criteria provided, multiple submitters, no conflicts (2 of 4 stars). 2 submissions from 2 submitters: Benign (1); Likely benign (1). Last evaluated 2025-08-23.

Allele frequency attached by ClinVar (database versions not stated): gnomAD 0.00018; gnomAD exomes 0.00018 and 0.00015; TOPMed 0.00011; ESP Exome Variant Server 0.00008; ExAC 0.00015.
gnomAD v4.1: 243 of 1,608,654 alleles (0.015%); highest among the groups gnomAD compares: Admixed American, 0.029%; 1 homozygote.

Submissions (3):

Labcorp Genetics (formerly Invitae), Labcorp
Classification: Benign. Last evaluated: 2025-08-23. Review status: criteria provided, single submitter. Criteria: Invitae Variant Classification Sherloc (09022015). Collection method: clinical testing. Allele origin: germline.

CeGaT Center for Human Genetics Tuebingen
Classification: Likely benign. Last evaluated: 2023-01-01. Review status: criteria provided, single submitter. Criteria: CeGaT Center For Human Genetics Tuebingen Variant Classification Criteria Version 2. Collection method: clinical testing. Allele origin: germline. Affected: yes. Observed: 1 variant allele.
Comment: MATN3: BP4, BP7

Dr. Peter K. Rogan Lab, Western University
No classification provided (evidence only). Condition: Cervical cancer. Review status: no classification provided. Collection method: in vitro. Allele origin: not applicable. Functional consequence: retained intron. Not counted in ClinVar's aggregate classification.